The following is an entry in ClinVar:

NM_006270.5(RRAS):c.563G>C (p.Arg188Pro)

Gene: RRAS (RAS related; minus strand). Cytogenetic location: 19q13.33.
Variant type: single nucleotide variant.
Coding change: c.563G>C on transcript NM_006270.5 (MANE Select); coding-DNA position 563, G replaced by C.
Protein change: p.Arg188Pro; replaces arginine 188 with proline.
Molecular consequence: missense variant.
Genome position (GRCh38, 1-based): chr19:49,635,743, C>G on the plus strand (G>C on the coding strand, the complement: RRAS is on the minus strand). VCF-style: chr19-49635743-C-G. GRCh37 (hg19) VCF-style: chr19-50139000-C-G.
Other names: short protein forms R188P.
Identifiers: ClinVar variation 3225526 (VCV003225526.1), dbSNP rs374621936, ClinGen allele CA9578963.

ClinVar aggregate classification (germline): Uncertain significance (1 of 4 stars; one submission).

gnomAD v4.1: 7 of 1,584,582 alleles (0.00044%); highest among the groups gnomAD compares: South Asian, 0.0067%; 1 homozygote.

Submission:

Ambry Genetics
Classification: Uncertain significance. Last evaluated: 2023-09-28. Review status: criteria provided, single submitter. Criteria: Ambry Variant Classification Scheme 2023. Collection method: clinical testing. Allele origin: germline.
Comment: The p.R188P variant (also known as c.563G>C), located in coding exon 5 of the RRAS gene, results from a G to C substitution at nucleotide position 563. The arginine at codon 188 is replaced by proline, an amino acid with dissimilar properties. This amino acid position is conserved. In addition, this alteration is predicted to be deleterious by in silico analysis. Since supporting evidence is limited at this time, the clinical significance of this alteration remains unclear.